The following is an entry in ClinVar:

NM_030773.4(TUBB1):c.128_129delinsCC (p.Gln43Pro)

Gene: TUBB1 (tubulin beta 1 class VI; plus strand). Cytogenetic location: 20q13.32.
Variant type: Indel.
Coding change: c.128_129delinsCC on transcript NM_030773.4 (MANE Select); coding-DNA positions 128 to 129, AG replaced by CC.
Protein change: p.Gln43Pro; replaces glutamine 43 with proline.
Molecular consequence: missense variant.
Genome position (GRCh38, 1-based): chr20:59,022,915-59,022,916, AG replaced by CC. VCF-style: chr20-59022915-AG-CC. GRCh37 (hg19) VCF-style: chr20-57597970-AG-CC.
Other names: c.128_129delAGinsCC, p.Gln43Pro (NM_030773.3); c.128_129delinsCC (NM_030773.3); short protein forms Q43P.
Identifiers: ClinVar variation 2138364 (VCV002138364.5), dbSNP rs2515915787, ClinGen allele CA915940418.

ClinVar aggregate classification (germline): Conflicting classifications of pathogenicity. Review status: criteria provided, conflicting classifications (1 of 4 stars). 2 submissions from 2 submitters: Uncertain significance (1); Benign (1). Last evaluated 2026-02-04.

Conditions:
Macrothrombocytopenia, isolated, 1, autosomal dominant (MACTHC1). Also called: Autosomal dominant macrothrombocytopenia TUBB1-related. Identifiers: Orphanet 140957, MedGen C5676892, MONDO:0800047, OMIM 613112.

Submissions (2):

Labcorp Genetics (formerly Invitae), Labcorp
Classification: Benign. Last evaluated: 2026-02-04. Review status: criteria provided, single submitter. Criteria: Invitae Variant Classification Sherloc (09022015). Collection method: clinical testing. Allele origin: germline.

Institute of Immunology and Genetics Kaiserslautern
Classification: Uncertain significance for Macrothrombocytopenia, isolated, 1, autosomal dominant. Last evaluated: 2024-05-02. Review status: criteria provided, single submitter. Criteria: ACMG Guidelines, 2015. Collection method: clinical testing. Allele origin: germline. Affected: yes.
Comment: ACMG Criteria: PS3, BS1_P; Variant was found in heterozygous state